The following is an entry in ClinVar:

ClinVar aggregate classification (germline): Uncertain significance (1 of 4 stars; one submission).

Submission:

Labcorp Genetics (formerly Invitae), Labcorp
Classification: Uncertain significance. Last evaluated: 2022-06-24. Review status: criteria provided, single submitter. Criteria: Invitae Variant Classification Sherloc (09022015). Collection method: clinical testing. Allele origin: germline.
Comment: In summary, the available evidence is currently insufficient to determine the role of this variant in disease. Therefore, it has been classified as a Variant of Uncertain Significance. Algorithms developed to predict the effect of missense changes on protein structure and function are either unavailable or do not agree on the potential impact of this missense change (SIFT: "Deleterious"; PolyPhen-2: "Probably Damaging"; Align-GVGD: "Class C0"). This variant has not been reported in the literature in individuals affected with STAG2-related conditions. This variant is not present in population databases (gnomAD no frequency). This sequence change replaces methionine, which is neutral and non-polar, with arginine, which is basic and polar, at codon 284 of the STAG2 protein (p.Met284Arg).

NM_001042750.2(STAG2):c.851T>G (p.Met284Arg)

Gene: STAG2 (STAG2 cohesin complex component; plus strand). Cytogenetic location: Xq25.
Variant type: single nucleotide variant.
Coding change: c.851T>G on transcript NM_001042750.2 (MANE Select); coding-DNA position 851, T replaced by G.
Protein change: p.Met284Arg; replaces methionine 284 with arginine.
Molecular consequence: missense variant.
Genome position (GRCh38, 1-based): chrX:124,049,036, T>G. VCF-style: chrX-124049036-T-G. GRCh37 (hg19) VCF-style: chrX-123182886-T-G.
Other names: c.851T>G, p.Met284Arg (NM_001042749.2, NM_001042751.2, NM_001282418.2 and 13 more transcripts); short protein forms M284R.
Identifiers: ClinVar variation 2010280 (VCV002010280.4), dbSNP rs2521380131, ClinGen allele CA414275715.